The following is an entry in ClinVar:

ClinVar aggregate classification (germline): Likely pathogenic (1 of 4 stars; one submission).

Conditions:
GNPTAB-mucolipidosis. Also called: UDP-N-acetylglucosamine-1-phosphotransferase subunit alpha/beta deficiency. Identifiers: MedGen CN322573, MONDO:0100122.

Submission:

Myriad Genetics, Inc.
Classification: Likely pathogenic for GNPTAB-mucolipidosis. Last evaluated: 2021-12-16. Review status: criteria provided, single submitter. Criteria: Myriad Autosomal Dominant, Autosomal Recessive and X-Linked Classification Criteria (2023). Collection method: clinical testing. Allele origin: unknown.
Comment: NM_024312.4(GNPTAB):c.724C>T(Q242*) is expected to be pathogenic in the context of GNPTAB-related disorders. This variant is predicted to lead to an abnormal or absent protein product due to the creation of a premature termination codon in GNPTAB, a gene where loss-of-function variants are known to be pathogenic. Please note: this variant was assessed in the context of healthy population screening.

NM_024312.5(GNPTAB):c.724C>T (p.Gln242Ter)

Gene: GNPTAB (N-acetylglucosamine-1-phosphate transferase subunits alpha and beta; minus strand). Cytogenetic location: 12q23.2.
Variant type: single nucleotide variant.
Coding change: c.724C>T on transcript NM_024312.5 (MANE Select); coding-DNA position 724, C replaced by T.
Protein change: p.Gln242Ter; replaces glutamine 242 with a stop codon.
Molecular consequence: nonsense.
Genome position (GRCh38, 1-based): chr12:101,780,199, G>A on the plus strand (C>T on the coding strand, the complement: GNPTAB is on the minus strand). VCF-style: chr12-101780199-G-A. GRCh37 (hg19) VCF-style: chr12-102173977-G-A.
Other names: short protein forms Q242*.
Identifiers: ClinVar variation 1726332 (VCV001726332.3), dbSNP rs761467513, ClinGen allele CA386304411.